The following is an entry in ClinVar:

NM_005535.3(IL12RB1):c.1132G>A (p.Gly378Arg)

Gene: IL12RB1 (interleukin 12 receptor subunit beta 1; minus strand). Cytogenetic location: 19p13.11.
Variant type: single nucleotide variant.
Coding change: c.1132G>A on transcript NM_005535.3 (MANE Select); coding-DNA position 1132, G replaced by A.
Protein change: p.Gly378Arg; replaces glycine 378 with arginine.
Molecular consequence: missense variant.
Genome position (GRCh38, 1-based): chr19:18,069,603, C>T on the plus strand (G>A on the coding strand, the complement: IL12RB1 is on the minus strand). VCF-style: chr19-18069603-C-T. GRCh37 (hg19) VCF-style: chr19-18180413-C-T.
Other names: c.1132G>A, p.Gly378Arg (NM_001290023.2); c.1252G>A, p.Gly418Arg (NM_001290024.2); short protein forms G378R, G418R.
Identifiers: ClinVar variation 889373 (VCV000889373.11), dbSNP rs401502, ClinGen allele CA9304955.

ClinVar aggregate classification (germline): Conflicting classifications of pathogenicity. Review status: criteria provided, conflicting classifications (1 of 4 stars). 2 submissions from 2 submitters: Uncertain significance (1); Benign (1). Last evaluated 2024-09-06.

Conditions:
Mendelian susceptibility to mycobacterial diseases due to complete IL12RB1 deficiency. Also called: IL12RB1 DEFICIENCY; Immunodeficiency 30. Identifiers: Orphanet 319552, MedGen C4013949, MONDO:0013955, OMIM 614891.

gnomAD v4.1: 28 of 1,612,524 alleles (0.0017%); highest among the groups gnomAD compares: Admixed American, 0.0067%; no homozygotes.

Submissions (2):

Labcorp Genetics (formerly Invitae), Labcorp
Classification: Uncertain significance for Mendelian susceptibility to mycobacterial diseases due to complete IL12RB1 deficiency. Last evaluated: 2024-09-06. Review status: criteria provided, single submitter. Criteria: Invitae Variant Classification Sherloc (09022015). Collection method: clinical testing. Allele origin: germline.
Comment: This sequence change replaces glycine, which is neutral and non-polar, with arginine, which is basic and polar, at codon 378 of the IL12RB1 protein (p.Gly378Arg). This variant is present in population databases (rs401502, gnomAD 0.009%). This missense change has been observed in individual(s) with mycobacterial disease (PMID: 11313259, 11992283, 16088278). ClinVar contains an entry for this variant (Variation ID: 889373). Invitae Evidence Modeling of protein sequence and biophysical properties (such as structural, functional, and spatial information, amino acid conservation, physicochemical variation, residue mobility, and thermodynamic stability) indicates that this missense variant is not expected to disrupt IL12RB1 protein function with a negative predictive value of 80%. Experimental studies have shown that this missense change does not substantially affect IL12RB1 function (PMID: 21057261). In summary, the available evidence is currently insufficient to determine the role of this variant in disease. Therefore, it has been classified as a Variant of Uncertain Significance.

Illumina Laboratory Services, Illumina
Classification: Benign for Mendelian susceptibility to mycobacterial diseases due to complete IL12RB1 deficiency. Last evaluated: 2017-04-27. Review status: criteria provided, single submitter. Criteria: ICSL Variant Classification Criteria 13 December 2019. Collection method: clinical testing. Allele origin: germline.
Comment: This variant was observed as part of a predisposition screen in an ostensibly healthy population. A literature search was performed for the gene, cDNA change, and amino acid change (where applicable). No publications were found based on this search. Allele frequency data from public databases was too high to be consistent with this variant causing disease. Therefore, this variant is classified as benign.

Literature cited by the submitters: PubMed 11313259 (cited by Labcorp Genetics (formerly Invitae), Labcorp); PubMed 11992283 (cited by Labcorp Genetics (formerly Invitae), Labcorp); PubMed 16088278 (cited by Labcorp Genetics (formerly Invitae), Labcorp); PubMed 21057261 (cited by Labcorp Genetics (formerly Invitae), Labcorp).